The following is an entry in ClinVar:

NM_000520.6(HEXA):c.749del (p.Gly250fs)

Gene: HEXA (hexosaminidase subunit alpha; minus strand). Cytogenetic location: 15q23.
Variant type: Deletion.
Coding change: c.749del on transcript NM_000520.6 (MANE Select); coding-DNA position 749, one base deleted (G; older notation c.749delG).
Protein change: p.Gly250fs; shifts the reading frame from glycine 250.
Molecular consequence: frameshift variant. On other transcripts: non-coding transcript variant (1).
Genome position (GRCh38, 1-based): chr15:72,350,574, C deleted on the plus strand (G on the coding strand, the reverse complement: HEXA is on the minus strand); the first of 4 consecutive C bases (chr15:72,350,574-72,350,577); deleting any one gives the same sequence. VCF-style (leftmost placement, unchanged base first): chr15-72350573-AC-A. GRCh37 (hg19) VCF-style: chr15-72642914-AC-A.
Other names: c.782del, p.Gly261fs (NM_001318825.2); c.749delG (NM_000520.5); short protein forms G250fs, G261fs.
Identifiers: ClinVar variation 2089786 (VCV002089786.5), dbSNP rs1190309903, ClinGen allele CA618961282.
Genomic context (GRCh38, chr15:72,350,573, plus strand): 5'-CTTACCTGGTCCCCAGGACAAAGTGTGGCCAGGAGTGTCAAACTCTGCAAGCACACGGAT[AC>A]CCCGGAGCCGTGCGTATTCAATGACCTCCTTCACATCCTGTGCTGTGTAGATGTGGGTGA-3'

ClinVar aggregate classification (germline): Pathogenic/Likely pathogenic. Review status: criteria provided, multiple submitters, no conflicts (2 of 4 stars). 2 submissions from 2 submitters: Pathogenic (1); Likely pathogenic (1). Last evaluated 2025-10-09.

Conditions:
Tay-Sachs disease (TSD). Also called: HEXA DEFICIENCY; GM2 gangliosidosis, type 1; HEXA Disorders; Hexosaminidase alpha-subunit deficiency (variant B); Sphingolipidosis, Tay-Sachs; Hexosaminidase A Deficiency. Identifiers: Orphanet 845, MedGen C0039373, MONDO:0010100, OMIM 272800.

Submissions (2):

Natera, Inc.
Classification: Likely pathogenic for Tay-Sachs disease. Last evaluated: 2025-10-09. Review status: criteria provided, single submitter. Criteria: Natera Variant Classification Schema (03/2026). Collection method: clinical testing. Allele origin: germline.
Comment: The c.749delG variant in HEXA is a frameshift variant predicted to shift the reading frame beginning at codon 250 and leads to a stop codon 25 codons downstream. This variant is expected to result in nonsense mediated decay, truncation, or a dysfunctional protein product. This variant is rare in the general population with a frequency below the threshold expected for the associated phenotype(s). Given the available evidence, this variant is classified as Likely Pathogenic.

Labcorp Genetics (formerly Invitae), Labcorp
Classification: Pathogenic for Tay-Sachs disease. Last evaluated: 2023-11-17. Review status: criteria provided, single submitter. Criteria: Invitae Variant Classification Sherloc (09022015). Collection method: clinical testing. Allele origin: germline.
Comment: This sequence change creates a premature translational stop signal (p.Gly250Valfs*25) in the HEXA gene. It is expected to result in an absent or disrupted protein product. Loss-of-function variants in HEXA are known to be pathogenic (PMID: 1833974, 8490625). This variant is present in population databases (no rsID available, gnomAD 0.008%). This variant has not been reported in the literature in individuals affected with HEXA-related conditions. ClinVar contains an entry for this variant (Variation ID: 2089786). For these reasons, this variant has been classified as Pathogenic.

Literature cited by the submitters: PubMed 1833974 (cited by Labcorp Genetics (formerly Invitae), Labcorp); PubMed 8490625 (cited by Labcorp Genetics (formerly Invitae), Labcorp).